The following is an entry in ClinVar:

NM_000062.3(SERPING1):c.997G>C (p.Ala333Pro)

Gene: SERPING1 (serpin family G member 1; plus strand). Cytogenetic location: 11q12.1.
Variant type: single nucleotide variant.
Coding change: c.997G>C on transcript NM_000062.3 (MANE Select); coding-DNA position 997, G replaced by C.
Protein change: p.Ala333Pro; replaces alanine 333 with proline.
Molecular consequence: missense variant.
Genome position (GRCh38, 1-based): chr11:57,606,515, G>C. VCF-style: chr11-57606515-G-C. GRCh37 (hg19) VCF-style: chr11-57373988-G-C.
Other names: c.997G>C, p.Ala333Pro (NM_001032295.2); short protein forms A333P.
Identifiers: ClinVar variation 2861472 (VCV002861472.3), dbSNP rs202192543, ClinGen allele CA380700858.

ClinVar aggregate classification (germline): Uncertain significance (1 of 4 stars; one submission).

Submission:

Labcorp Genetics (formerly Invitae), Labcorp
Classification: Uncertain significance. Last evaluated: 2023-05-02. Review status: criteria provided, single submitter. Criteria: Invitae Variant Classification Sherloc (09022015). Collection method: clinical testing. Allele origin: germline.
Comment: This sequence change replaces alanine, which is neutral and non-polar, with proline, which is neutral and non-polar, at codon 333 of the SERPING1 protein (p.Ala333Pro). This variant is not present in population databases (gnomAD no frequency). This variant has not been reported in the literature in individuals affected with SERPING1-related conditions. Advanced modeling of protein sequence and biophysical properties (such as structural, functional, and spatial information, amino acid conservation, physicochemical variation, residue mobility, and thermodynamic stability) performed at Invitae indicates that this missense variant is expected to disrupt SERPING1 protein function. This variant disrupts the p.Ala333 amino acid residue in SERPING1. Other variant(s) that disrupt this residue have been observed in individuals with SERPING1-related conditions (PMID: 18586324, 22129507), which suggests that this may be a clinically significant amino acid residue. In summary, the available evidence is currently insufficient to determine the role of this variant in disease. Therefore, it has been classified as a Variant of Uncertain Significance.

Literature cited by the submitters: PubMed 18586324; PubMed 22129507.